The following is an entry in ClinVar:

NM_006767.4(LZTR1):c.652-10C>G

Gene: LZTR1 (leucine zipper like post translational regulator 1; plus strand). Cytogenetic location: 22q11.21.
Variant type: single nucleotide variant.
Coding change: c.652-10C>G on transcript NM_006767.4 (MANE Select); 10 bases into the intron before coding-DNA position 652, C replaced by G.
Molecular consequence: intron variant.
Genome position (GRCh38, 1-based): chr22:20,990,376, C>G. VCF-style: chr22-20990376-C-G. GRCh37 (hg19) VCF-style: chr22-21344665-C-G.
Other names: c.652-10C>G (NM_006767.3).
Identifiers: ClinVar variation 2167068 (VCV002167068.6), dbSNP rs200169897, ClinGen allele CA638555851.
Genomic context (GRCh38, chr22:20,990,376, plus strand): 5'-CAGTCTCGAGTGTGGTGAAATGTGAGCGGGCCCTGTGAGGCCGGGGCTGAGCTGTCCTCT[C>G]CCCCTGCAGGTGGCCCAGAGTGGCGAGATCCCCCCATCTTGCTGCAACTTCCCCGTGGCT-3'

ClinVar aggregate classification (germline): Likely benign. Review status: criteria provided, single submitter (1 of 4 stars). 2 submissions from 2 submitters: Likely benign (1). 1 of the submissions does not count toward it. Last evaluated 2023-12-14.

Conditions:
LZTR1-related disorder. Also called: LZTR1-related disorders; LZTR1-related condition.

gnomAD v4.1: 3 of 1,613,994 alleles (0.00019%); highest among the groups gnomAD compares: Non-Finnish European, 0.00017%; no homozygotes.

Submissions (2):

Labcorp Genetics (formerly Invitae), Labcorp
Classification: Likely benign. Last evaluated: 2023-12-14. Review status: criteria provided, single submitter. Criteria: Invitae Variant Classification Sherloc (09022015). Collection method: clinical testing. Allele origin: germline.

PreventionGenetics, part of Exact Sciences
Classification: Likely benign for LZTR1-related condition. Last evaluated: 2023-12-11. Review status: no assertion criteria provided. Collection method: clinical testing. Allele origin: germline. Not counted in ClinVar's aggregate classification.
Comment: This variant is classified as likely benign based on ACMG/AMP sequence variant interpretation guidelines (Richards et al. 2015 PMID: 25741868, with internal and published modifications).